The following is an entry in ClinVar:

ClinVar aggregate classification (germline): Uncertain significance (1 of 4 stars; one submission).

Conditions:
RASopathy. Also called: Noonan spectrum disorder; rasopathies. Identifiers: Orphanet 536391, MedGen C5555857, MONDO:0021060.

Submission:

Labcorp Genetics (formerly Invitae), Labcorp
Classification: Uncertain significance for RASopathy. Last evaluated: 2021-07-03. Review status: criteria provided, single submitter. Criteria: Invitae Variant Classification Sherloc (09022015). Collection method: clinical testing. Allele origin: germline.
Comment: This variant is not present in population databases (ExAC no frequency). This sequence change replaces serine with phenylalanine at codon 122 of the BRAF protein (p.Ser122Phe). The serine residue is weakly conserved and there is a large physicochemical difference between serine and phenylalanine. This variant has not been reported in the literature in individuals affected with BRAF-related conditions. In summary, the available evidence is currently insufficient to determine the role of this variant in disease. Therefore, it has been classified as a Variant of Uncertain Significance. Advanced modeling of protein sequence and biophysical properties (such as structural, functional, and spatial information, amino acid conservation, physicochemical variation, residue mobility, and thermodynamic stability) performed at Invitae indicates that this missense variant is not expected to disrupt BRAF protein function.

NM_004333.6(BRAF):c.365C>T (p.Ser122Phe)

Gene: BRAF (B-Raf proto-oncogene, serine/threonine kinase; minus strand). Cytogenetic location: 7q34.
Variant type: single nucleotide variant.
Coding change: c.365C>T on transcript NM_004333.6 (MANE Select); coding-DNA position 365, C replaced by T.
Protein change: p.Ser122Phe; replaces serine 122 with phenylalanine.
Molecular consequence: missense variant. On other transcripts: intron variant (1).
Genome position (GRCh38, 1-based): chr7:140,834,748, G>A on the plus strand (C>T on the coding strand, the complement: BRAF is on the minus strand). VCF-style: chr7-140834748-G-A. GRCh37 (hg19) VCF-style: chr7-140534548-G-A.
Other names: c.365C>T, p.Ser122Phe (NM_001354609.2, NM_001374244.1, NM_001374258.1 and 5 more transcripts); c.263C>T, p.Ser88Phe (NM_001378470.1); c.209C>T, p.Ser70Phe (NM_001378472.1, NM_001378473.1); c.240+15363C>T (NM_001378475.1); short protein forms S122F, S70F, S88F.
Identifiers: ClinVar variation 1365467 (VCV001365467.8), dbSNP rs397507462, ClinGen allele CA369593695.
Genomic context (GRCh38, chr7:140,834,748, plus strand): 5'-GTGGGATTTTGAAAAACTGAAAGAGATGAAGGTAGCACTGAAAGGCTAGAAGAGGAAGAA[G>A]ATGTAACGGTATCCATTGATGCAGAGCTAGAAACAGAAAAATCAGTTCCGTTCCCCAGAG-3'
Protein context (NP_004324.2, residues 112-132): SSSASMDTVT[Ser122Phe]SSSSSLSVLP